The following is an entry in ClinVar:

NM_001384474.1(LOXHD1):c.5655del (p.Ser1886fs)

Gene: LOXHD1 (lipoxygenase homology PLAT domains 1; minus strand). Cytogenetic location: 18q21.1.
Variant type: Deletion.
Coding change: c.5655del on transcript NM_001384474.1 (MANE Select); coding-DNA position 5655, one base deleted (C; older notation c.5655delC).
Protein change: p.Ser1886fs; shifts the reading frame from serine 1886.
Molecular consequence: frameshift variant.
Genome position (GRCh38, 1-based): chr18:46,507,575, G deleted on the plus strand (C on the coding strand, the reverse complement: LOXHD1 is on the minus strand); the first of 2 consecutive G bases (chr18:46,507,575-46,507,576); deleting either gives the same sequence. VCF-style (leftmost placement, unchanged base first): chr18-46507574-AG-A. GRCh37 (hg19) VCF-style: chr18-44087537-AG-A.
Other names: c.2322del, p.Ser775fs (NM_001145472.3); c.372del, p.Ser125fs (NM_001145473.3, NM_001173129.2); c.2034del, p.Ser679fs (NM_001308013.2); c.5469del, p.Ser1824fs (NM_144612.7); short protein forms S125fs, S1824fs, S1886fs, S679fs, S775fs.
Identifiers: ClinVar variation 3601207 (VCV003601207.2).

ClinVar aggregate classification (germline): Likely pathogenic. Review status: criteria provided, multiple submitters, no conflicts (2 of 4 stars). 2 submissions from 2 submitters: Likely pathogenic (2). Last evaluated 2025-04-08.

Conditions:
Autosomal recessive nonsyndromic hearing loss 77. Identifiers: Orphanet 90636, MedGen C2746083, MONDO:0013119, OMIM 613079.

Submissions (2):

Hereditary Deafness Genetic Testing Group, The First Affiliated Hospital of Zhengzhou University
Classification: Likely pathogenic for Autosomal recessive nonsyndromic hearing loss 77. Last evaluated: 2025-04-08. Review status: criteria provided, single submitter. Criteria: ACMG Guidelines, 2015. Collection method: clinical testing. Allele origin: germline. Affected: yes.

Institute of Rare Diseases, West China Hospital, Sichuan University
Classification: Likely pathogenic for Autosomal recessive nonsyndromic hearing loss 77. Last evaluated: 2025-01-09. Review status: criteria provided, single submitter. Criteria: ClinGen HL ACMG Specifications v1. Collection method: research. Allele origin: germline. Affected: yes.
Comment: PVS1;PM2_Supporting

Literature cited by the submitters: PubMed 40542191 (cited by Hereditary Deafness Genetic Testing Group, The First Affiliated Hospital of Zhengzhou University).